The following is an entry in ClinVar:

NM_014271.4(IL1RAPL1):c.161C>T (p.Ala54Val)

Gene: IL1RAPL1 (interleukin 1 receptor accessory protein like 1; plus strand). Cytogenetic location: Xp21.3.
Variant type: single nucleotide variant.
Coding change: c.161C>T on transcript NM_014271.4 (MANE Select); coding-DNA position 161, C replaced by T.
Protein change: p.Ala54Val; replaces alanine 54 with valine.
Molecular consequence: missense variant.
Genome position (GRCh38, 1-based): chrX:29,283,016, C>T. VCF-style: chrX-29283016-C-T. GRCh37 (hg19) VCF-style: chrX-29301133-C-T.
Other names: short protein forms A54V.
Identifiers: ClinVar variation 3767404 (VCV003767404.1).

ClinVar aggregate classification (germline): Uncertain significance (1 of 4 stars; one submission).

gnomAD v4.1: 1 of 1,208,310 alleles (0.000083%); highest among the groups gnomAD compares: Non-Finnish European, 0.00011%; no homozygotes.

Submission:

GeneDx
Classification: Uncertain significance. Last evaluated: 2024-09-09. Review status: criteria provided, single submitter. Criteria: GeneDx Variant Classification Process June 2021. Collection method: clinical testing. Allele origin: germline. Affected: yes.
Comment: Not observed at significant frequency in large population cohorts (gnomAD); In silico analysis indicates that this missense variant does not alter protein structure/function; Has not been previously published as pathogenic or benign to our knowledge